The following is an entry in ClinVar:

ClinVar aggregate classification (germline): Uncertain significance. Review status: criteria provided, multiple submitters, no conflicts (2 of 4 stars). 2 submissions from 2 submitters: Uncertain significance (2). Last evaluated 2025-08-22.

Conditions:
Shprintzen-Goldberg syndrome (SGS). Also called: Marfanoid disorder with craniosynostosis type 1; Marfanoid craniosynostosis syndrome; Shprintzen-Goldberg marfanoid syndrome; SHPRINTZEN-GOLDBERG CRANIOSYNOSTOSIS SYNDROME; CRANIOSYNOSTOSIS WITH ARACHNODACTYLY AND ABDOMINAL HERNIAS. Identifiers: Orphanet 2462, MedGen C1321551, MONDO:0008426, OMIM 182212.
Familial thoracic aortic aneurysm and aortic dissection (TAAD). Also called: Thoracic aortic aneurysms and dissections. Identifiers: Orphanet 91387, MedGen C4707243, MONDO:0019625.

Submissions (2):

Ambry Genetics
Classification: Uncertain significance for Familial thoracic aortic aneurysm and aortic dissection. Last evaluated: 2025-08-22. Review status: criteria provided, single submitter. Criteria: Ambry Variant Classification Scheme 2023. Collection method: clinical testing. Allele origin: germline.

Labcorp Genetics (formerly Invitae), Labcorp
Classification: Uncertain significance for Shprintzen-Goldberg syndrome. Last evaluated: 2024-05-02. Review status: criteria provided, single submitter. Criteria: Invitae Variant Classification Sherloc (09022015). Collection method: clinical testing. Allele origin: germline.
Comment: This sequence change replaces isoleucine, which is neutral and non-polar, with valine, which is neutral and non-polar, at codon 285 of the SKI protein (p.Ile285Val). This variant is not present in population databases (gnomAD no frequency). This variant has not been reported in the literature in individuals affected with SKI-related conditions. Advanced modeling of protein sequence and biophysical properties (such as structural, functional, and spatial information, amino acid conservation, physicochemical variation, residue mobility, and thermodynamic stability) has been performed at Invitae for this missense variant, however the output from this modeling did not meet the statistical confidence thresholds required to predict the impact of this variant on SKI protein function. In summary, the available evidence is currently insufficient to determine the role of this variant in disease. Therefore, it has been classified as a Variant of Uncertain Significance.

NM_003036.4(SKI):c.853A>G (p.Ile285Val)

Gene: SKI (SKI proto-oncogene; plus strand). Cytogenetic location: 1p36.33.
Variant type: single nucleotide variant.
Coding change: c.853A>G on transcript NM_003036.4 (MANE Select); coding-DNA position 853, A replaced by G.
Protein change: p.Ile285Val; replaces isoleucine 285 with valine.
Molecular consequence: missense variant.
Genome position (GRCh38, 1-based): chr1:2,229,619, A>G. VCF-style: chr1-2229619-A-G. GRCh37 (hg19) VCF-style: chr1-2161058-A-G.
Other names: c.853A>G (NM_003036.3); short protein forms I285V.
Identifiers: ClinVar variation 3698783 (VCV003698783.3).